The following is an entry in ClinVar:

NM_014699.4(ZNF646):c.1887A>T (p.Ser629=)

Gene: ZNF646 (zinc finger protein 646; plus strand). Cytogenetic location: 16p11.2.
Variant type: single nucleotide variant.
Coding change: c.1887A>T on transcript NM_014699.4 (MANE Select); coding-DNA position 1887, A replaced by T.
Protein change: p.Ser629=; no amino-acid change (serine 629 retained).
Molecular consequence: synonymous variant.
Genome position (GRCh38, 1-based): chr16:31,078,211, A>T. VCF-style: chr16-31078211-A-T. GRCh37 (hg19) VCF-style: chr16-31089532-A-T.
Identifiers: ClinVar variation 2646463 (VCV002646463.24), dbSNP rs72785532, ClinGen allele CA8019745.

ClinVar aggregate classification (germline): Likely benign (1 of 4 stars; one submission).

Allele frequency attached by ClinVar (database versions not stated): 1000 Genomes Project 0.00060; 1000 Genomes Project 30x 0.00078; gnomAD 0.00210; ESP Exome Variant Server 0.00239.
gnomAD v4.1: 4,905 of 1,614,076 alleles (0.3%); highest among the groups gnomAD compares: Non-Finnish European, 0.37%; 17 homozygotes.

Submission:

CeGaT Center for Human Genetics Tuebingen
Classification: Likely benign. Last evaluated: 2022-07-01. Review status: criteria provided, single submitter. Criteria: CeGaT Center For Human Genetics Tuebingen Variant Classification Criteria Version 2. Collection method: clinical testing. Allele origin: germline. Affected: yes. Observed: 1 variant allele.
Comment: ZNF646: BP4, BP7